The following is an entry in ClinVar:

ClinVar aggregate classification (germline): Pathogenic (1 of 4 stars; one submission).

Conditions:
Spastic paraplegia. Identifiers: MedGen C0037772, HP:0001258.

Submission:

Labcorp Genetics (formerly Invitae), Labcorp
Classification: Pathogenic for Spastic paraplegia. Last evaluated: 2023-08-11. Review status: criteria provided, single submitter. Criteria: Invitae Variant Classification Sherloc (09022015). Collection method: clinical testing. Allele origin: germline.
Comment: This variant is not present in population databases (gnomAD no frequency). For these reasons, this variant has been classified as Pathogenic. This variant disrupts a region of the SACS protein in which other variant(s) (p.Tyr4538*) have been determined to be pathogenic (PMID: 15156359, 21507954; Invitae). This suggests that this is a clinically significant region of the protein, and that variants that disrupt it are likely to be disease-causing. This variant has not been reported in the literature in individuals affected with SACS-related conditions. This sequence change creates a premature translational stop signal (p.Arg1457Serfs*5) in the SACS gene. While this is not anticipated to result in nonsense mediated decay, it is expected to disrupt the last 3123 amino acid(s) of the SACS protein.

Literature cited by the submitters: PubMed 15156359; PubMed 21507954.

NM_014363.6(SACS):c.4371_4374del (p.Arg1457fs)

Gene: SACS (sacsin molecular chaperone; minus strand). Cytogenetic location: 13q12.12.
Variant type: Microsatellite.
Coding change: c.4371_4374del on transcript NM_014363.6 (MANE Select); coding-DNA positions 4371 to 4374, 4 bases deleted (AGAG; older notation c.4371_4374delAGAG).
Protein change: p.Arg1457fs; shifts the reading frame from arginine 1457.
Molecular consequence: frameshift variant.
Genome position (GRCh38, 1-based): chr13:23,339,502-23,339,505, CTCT deleted on the plus strand (AGAG on the coding strand, the reverse complement: SACS is on the minus strand); deleting any 4 consecutive bases within chr13:23,339,502-23,339,507 gives the same sequence; the c. name uses the placement nearest the transcript's 3' end. VCF-style (leftmost placement, unchanged base first): chr13-23339501-GCTCT-G. GRCh37 (hg19) VCF-style: chr13-23913640-GCTCT-G.
Other names: c.3930_3933del, p.Arg1310fs (NM_001278055.2); short protein forms R1310fs, R1457fs.
Identifiers: ClinVar variation 1452116 (VCV001452116.6), dbSNP rs2137628257, ClinGen allele CA2580614629.